The following is an entry in ClinVar:

ClinVar aggregate classification (germline): Uncertain significance (1 of 4 stars; one submission).

Conditions:
Cardiovascular phenotype. Identifiers: MedGen CN230736.

gnomAD v4.1: 4 of 1,606,612 alleles (0.00025%); highest among the groups gnomAD compares: Non-Finnish European, 0.00017%; no homozygotes.

Submission:

Ambry Genetics
Classification: Uncertain significance for Cardiovascular phenotype. Last evaluated: 2025-06-18. Review status: criteria provided, single submitter. Criteria: Ambry Variant Classification Scheme 2023. Collection method: clinical testing. Allele origin: germline.
Comment: The c.682+4T>C intronic variant results from a T to C substitution 4 nucleotides after coding exon 9 in the TXNRD2 gene. This nucleotide position is highly conserved in available vertebrate species. In silico splice site analysis predicts that this alteration will not have any significant effect on splicing. The evidence for this gene-disease relationship is limited; therefore, the clinical significance of this alteration is unclear.

NM_006440.5(TXNRD2):c.682+4T>C

Gene: TXNRD2 (thioredoxin reductase 2; minus strand). Cytogenetic location: 22q11.21.
Variant type: single nucleotide variant.
Coding change: c.682+4T>C on transcript NM_006440.5 (MANE Select); 4 bases into the intron after coding-DNA position 682, T replaced by C.
Molecular consequence: intron variant.
Genome position (GRCh38, 1-based): chr22:19,899,045, A>G on the plus strand (T>C on the coding strand, the complement: TXNRD2 is on the minus strand). VCF-style: chr22-19899045-A-G. GRCh37 (hg19) VCF-style: chr22-19886568-A-G.
Other names: c.679+4T>C (NM_001352300.2); c.394+4T>C (NM_001352302.2); c.592+4T>C (NM_001352301.2); c.682+4T>C (NM_001282512.3); c.586+4T>C (NM_001352303.2).
Identifiers: ClinVar variation 4194427 (VCV004194427.1).